The following is an entry in ClinVar:

ClinVar aggregate classification (germline): Likely pathogenic (1 of 4 stars; one submission).

Conditions:
Dilated cardiomyopathy 1G (CMD1G). Identifiers: Orphanet 154, MedGen C1858763, MONDO:0011400, OMIM 604145.
Autosomal recessive limb-girdle muscular dystrophy type 2J (LGMDR10). Also called: Limb-girdle muscular dystrophy, type 2J; MUSCULAR DYSTROPHY, LIMB-GIRDLE, AUTOSOMAL RECESSIVE 10. Identifiers: Orphanet 140922, MedGen C1837342, MONDO:0012127, OMIM 608807.

Allele frequency attached by ClinVar (database versions not stated): gnomAD exomes below 0.00001.
gnomAD v4.1: 1 of 1,614,156 alleles (0.000062%); highest among the groups gnomAD compares: East Asian, 0.0022%; no homozygotes.

Submission:

Labcorp Genetics (formerly Invitae), Labcorp
Classification: Likely pathogenic for Dilated cardiomyopathy 1G; Autosomal recessive limb-girdle muscular dystrophy type 2J. Last evaluated: 2024-06-19. Review status: criteria provided, single submitter. Criteria: Invitae Variant Classification Sherloc (09022015). Collection method: clinical testing. Allele origin: germline.
Comment: This sequence change affects a donor splice site in intron 8 of the TTN gene. It is expected to disrupt RNA splicing and likely results in a truncated or disrupted TTN protein. This variant is not present in population databases (gnomAD no frequency). This variant has not been reported in the literature in individuals affected with TTN-related conditions. ClinVar contains an entry for this variant (Variation ID: 1975667). Algorithms developed to predict the effect of sequence changes on RNA splicing suggest that this variant may disrupt the consensus splice site. This variant is located in the Z band of TTN (PMID: 25589632). Truncating variants in this region have been reported in individuals affected with autosomal recessive centronuclear myopathy (PMID: 33449170, Invitae internal data). Truncating variants in this region have also been identified in individuals affected with autosomal dominant dilated cardiomyopathy and/or cardio-related conditions (PMID: 27869827, 32964742, Invitae internal data). In summary, the currently available evidence indicates that the variant is pathogenic, but additional data are needed to prove that conclusively. Therefore, this variant has been classified as Likely Pathogenic.

Literature cited by the submitters: PubMed 25589632; PubMed 33449170; PubMed 27869827; PubMed 32964742.

NM_001267550.2(TTN):c.1398+1G>A

Gene: TTN (titin; minus strand). Cytogenetic location: 2q31.2.
Variant type: single nucleotide variant.
Coding change: c.1398+1G>A on transcript NM_001267550.2 (MANE Select); the canonical splice donor site of the intron after coding-DNA position 1398, G replaced by A.
Molecular consequence: splice donor variant.
Genome position (GRCh38, 1-based): chr2:178,794,398, C>T on the plus strand (G>A on the coding strand, the complement: TTN is on the minus strand). VCF-style: chr2-178794398-C-T. GRCh37 (hg19) VCF-style: chr2-179659125-C-T.
Other names: c.1398+1G>A (NM_133379.5, NM_003319.4, NM_133437.4 and 3 more transcripts).
Identifiers: ClinVar variation 1975667 (VCV001975667.5), dbSNP rs2534047310, ClinGen allele CA349515166.